The following is an entry in ClinVar:

ClinVar aggregate classification (germline): Pathogenic (1 of 4 stars; one submission).

Submission:

Labcorp Genetics (formerly Invitae), Labcorp
Classification: Pathogenic. Last evaluated: 2022-11-16. Review status: criteria provided, single submitter. Criteria: Invitae Variant Classification Sherloc (09022015). Collection method: clinical testing. Allele origin: germline.
Comment: For these reasons, this variant has been classified as Pathogenic. This variant has not been reported in the literature in individuals affected with NEXMIF-related conditions. This variant is not present in population databases (gnomAD no frequency). This sequence change creates a premature translational stop signal (p.Asp1019Valfs*17) in the NEXMIF gene. It is expected to result in an absent or disrupted protein product. Loss-of-function variants in NEXMIF are known to be pathogenic (PMID: 23615299).

Literature cited by the submitters: PubMed 23615299.

NM_001008537.3(NEXMIF):c.3056del (p.Asp1019fs)

Gene: NEXMIF (neurite extension and migration factor; minus strand). Cytogenetic location: Xq13.3.
Variant type: Deletion.
Coding change: c.3056del on transcript NM_001008537.3 (MANE Select); coding-DNA position 3056, one base deleted (A; older notation c.3056delA).
Protein change: p.Asp1019fs; shifts the reading frame from aspartic acid 1019.
Molecular consequence: frameshift variant.
Genome position (GRCh38, 1-based): chrX:74,741,501, T deleted on the plus strand (A on the coding strand, the reverse complement: NEXMIF is on the minus strand). VCF-style (leftmost placement, unchanged base first): chrX-74741500-AT-A. GRCh37 (hg19) VCF-style: chrX-73961335-AT-A.
Other names: short protein forms D1019fs.
Identifiers: ClinVar variation 2026286 (VCV002026286.4), dbSNP rs2519912918, ClinGen allele CA2580101372.
Genomic context (GRCh38, chrX:74,741,500, plus strand): 5'-GCTTTGCTGGATCACCAGCTTAGGGCTGCAATGGGCCAGGAAGTCATCAGTGATATCATC[AT>A]CGCCATCCTTTTCACAGGACTTCAAGCTTAAGGAGCAATAATTACTTGAGCTGACAGAGA-3'